The following is an entry in ClinVar:

ClinVar aggregate classification (germline): Uncertain significance (1 of 4 stars; one submission).

Conditions:
Inborn genetic diseases. Identifiers: MedGen C0950123, MeSH D030342.

Submission:

Ambry Genetics
Classification: Uncertain significance for Inborn genetic diseases. Last evaluated: 2024-03-09. Review status: criteria provided, single submitter. Criteria: Ambry Variant Classification Scheme 2023. Collection method: clinical testing. Allele origin: germline.
Comment: The p.I2489L variant (also known as c.7465A>C), located in coding exon 51 of the LRRK2 gene, results from an A to C substitution at nucleotide position 7465. The isoleucine at codon 2489 is replaced by leucine, an amino acid with highly similar properties. This amino acid position is conserved. In addition, this alteration is predicted to be tolerated by in silico analysis. Based on the available evidence, the clinical significance of this alteration remains unclear.

NM_198578.4(LRRK2):c.7465A>C (p.Ile2489Leu)

Gene: LRRK2 (leucine rich repeat kinase 2; plus strand). Cytogenetic location: 12q12.
Variant type: single nucleotide variant.
Coding change: c.7465A>C on transcript NM_198578.4 (MANE Select); coding-DNA position 7465, A replaced by C.
Protein change: p.Ile2489Leu; replaces isoleucine 2489 with leucine.
Molecular consequence: missense variant.
Genome position (GRCh38, 1-based): chr12:40,367,646, A>C. VCF-style: chr12-40367646-A-C. GRCh37 (hg19) VCF-style: chr12-40761448-A-C.
Other names: short protein forms I2489L.
Identifiers: ClinVar variation 3229794 (VCV003229794.1), dbSNP rs1187163348, ClinGen allele CA384415985.
Genomic context (GRCh38, chr12:40,367,646, plus strand): 5'-AATAAGAATGTTTTATGATGGATCTTTGAAACATGATTTCATTTTTTTCTTTTTCTAGAG[A>C]TACAATCTTGCTTGACCGTTTGGGACATCAATCTTCCACATGAAGTGCAAAATTTAGAAA-3'
Protein context (NP_940980.4, residues 2479-2499): NTEGTQKQKE[Ile2489Leu]QSCLTVWDIN